The following is an entry in ClinVar:

ClinVar aggregate classification (germline): Uncertain significance. Review status: criteria provided, multiple submitters, no conflicts (2 of 4 stars). 3 submissions from 3 submitters: Uncertain significance (3). Last evaluated 2024-03-21.

Conditions:
Senior-Loken syndrome 8 (SLSN8). Identifiers: Orphanet 3156, MedGen C4225376, MONDO:0014579, OMIM 616307.
Asphyxiating thoracic dystrophy 5 (SRTD5). Also called: SHORT-RIB THORACIC DYSPLASIA 5 WITH OR WITHOUT POLYDACTYLY; SHORT-RIB THORACIC DYSPLASIA 5 WITHOUT POLYDACTYLY. Identifiers: Orphanet 474, MedGen C3280598, MONDO:0013717, OMIM 614376.
Inborn genetic diseases. Identifiers: MedGen C0950123, MeSH D030342.

Allele frequency attached by ClinVar (database versions not stated): ExAC 0.00002; gnomAD exomes 0.00004; gnomAD 0.00005; TOPMed 0.00005; ESP Exome Variant Server 0.00008.
gnomAD v4.1: 73 of 1,613,786 alleles (0.0045%); highest among the groups gnomAD compares: Non-Finnish European, 0.0058%; no homozygotes.

Submissions (3):

Blueprint Genetics
Classification: Uncertain significance. Last evaluated: 2024-03-21. Review status: criteria provided, single submitter. Criteria: ACMG Guidelines, 2015. Collection method: clinical testing. Allele origin: germline.

Ambry Genetics
Classification: Uncertain significance for Inborn genetic diseases. Last evaluated: 2023-10-13. Review status: criteria provided, single submitter. Criteria: Ambry Variant Classification Scheme 2023. Collection method: clinical testing. Allele origin: germline.

Labcorp Genetics (formerly Invitae), Labcorp
Classification: Uncertain significance for Senior-Loken syndrome 8; Asphyxiating thoracic dystrophy 5. Last evaluated: 2022-10-23. Review status: criteria provided, single submitter. Criteria: Invitae Variant Classification Sherloc (09022015). Collection method: clinical testing. Allele origin: germline.
Comment: This sequence change replaces valine, which is neutral and non-polar, with alanine, which is neutral and non-polar, at codon 1128 of the WDR19 protein (p.Val1128Ala). This variant is present in population databases (rs372799054, gnomAD 0.008%). This variant has not been reported in the literature in individuals affected with WDR19-related conditions. ClinVar contains an entry for this variant (Variation ID: 476157). Advanced modeling of protein sequence and biophysical properties (such as structural, functional, and spatial information, amino acid conservation, physicochemical variation, residue mobility, and thermodynamic stability) has been performed at Invitae for this missense variant, however the output from this modeling did not meet the statistical confidence thresholds required to predict the impact of this variant on WDR19 protein function. In summary, the available evidence is currently insufficient to determine the role of this variant in disease. Therefore, it has been classified as a Variant of Uncertain Significance.

NM_025132.4(WDR19):c.3383T>C (p.Val1128Ala)

Gene: WDR19 (WD repeat domain 19; plus strand). Cytogenetic location: 4p14.
Variant type: single nucleotide variant.
Coding change: c.3383T>C on transcript NM_025132.4 (MANE Select); coding-DNA position 3383, T replaced by C.
Protein change: p.Val1128Ala; replaces valine 1128 with alanine.
Molecular consequence: missense variant.
Genome position (GRCh38, 1-based): chr4:39,270,000, T>C. VCF-style: chr4-39270000-T-C. GRCh37 (hg19) VCF-style: chr4-39271620-T-C.
Other names: c.2903T>C, p.Val968Ala (NM_001317924.2); short protein forms V1128A, V968A.
Identifiers: ClinVar variation 476157 (VCV000476157.8), dbSNP rs372799054, ClinGen allele CA2892362.